The following is an entry in ClinVar:

NM_001040142.2(SCN2A):c.5513_5515del (p.Gln1838del)

Gene: SCN2A (sodium voltage-gated channel alpha subunit 2; plus strand). Cytogenetic location: 2q24.3.
Variant type: Deletion.
Coding change: c.5513_5515del on transcript NM_001040142.2 (MANE Select); coding-DNA positions 5513 to 5515, 3 bases deleted (AGC; older notation c.5513_5515delAGC).
Protein change: p.Gln1838del; deletes glutamine 1838.
Molecular consequence: inframe deletion.
Genome position (GRCh38, 1-based): chr2:165,389,319-165,389,321, AGC deleted; deleting any 3 consecutive bases within chr2:165,389,318-165,389,321 gives the same sequence; the c. name uses the placement nearest the transcript's 3' end. VCF-style (leftmost placement, unchanged base first): chr2-165389317-CCAG-C. GRCh37 (hg19) VCF-style: chr2-166245827-CCAG-C.
Other names: c.5513_5515del, p.Gln1838del (NM_001040143.2, NM_001371246.1, NM_001371247.1 and 1 more transcripts); short protein forms Q1838del.
Identifiers: ClinVar variation 3755023 (VCV003755023.2).

ClinVar aggregate classification (germline): Likely pathogenic (1 of 4 stars; one submission).

Conditions:
Developmental and epileptic encephalopathy, 11 (DEE11). Also called: Early infantile epileptic encephalopathy 11. Identifiers: Orphanet 1934, MedGen C3150987, MONDO:0013388, OMIM 613721.
Seizures, benign familial infantile, 3 (BFIS3). Also called: CONVULSIONS, BENIGN FAMILIAL INFANTILE, 3; Familial neonatal seizures. Identifiers: Orphanet 140927, Orphanet 306, MedGen C1843140, MONDO:0011904, OMIM 607745.

Submission:

Labcorp Genetics (formerly Invitae), Labcorp
Classification: Likely pathogenic for Seizures, benign familial infantile, 3; Developmental and epileptic encephalopathy, 11. Last evaluated: 2024-10-17. Review status: criteria provided, single submitter. Criteria: Invitae Variant Classification Sherloc (09022015). Collection method: clinical testing. Allele origin: germline.
Comment: This variant, c.5513_5515del, results in the deletion of 1 amino acid(s) of the SCN2A protein (p.Gln1838del), but otherwise preserves the integrity of the reading frame. This variant is not present in population databases (gnomAD no frequency). This variant has been observed in individual(s) with clinical features of developmental and epileptic encephalopathy (internal data). In at least one individual the variant was observed to be de novo. In summary, the currently available evidence indicates that the variant is pathogenic, but additional data are needed to prove that conclusively. Therefore, this variant has been classified as Likely Pathogenic.